The following is an entry in ClinVar:

ClinVar aggregate classification (germline): Uncertain significance (1 of 4 stars; one submission).

Submission:

Ambry Genetics
Classification: Uncertain significance. Last evaluated: 2025-05-31. Review status: criteria provided, single submitter. Criteria: Ambry Variant Classification Scheme 2023. Collection method: clinical testing. Allele origin: germline.
Comment: The p.G187A variant (also known as c.560G>C), located in coding exon 1 of the TET2 gene, results from a G to C substitution at nucleotide position 560. The glycine at codon 187 is replaced by alanine, an amino acid with similar properties. This amino acid position is conserved. In addition, this alteration is predicted to be tolerated by in silico analysis. Based on the available evidence, the clinical significance of this variant remains unclear.

NM_001127208.3(TET2):c.560G>C (p.Gly187Ala)

Genes: TET2 (tet methylcytosine dioxygenase 2; plus strand), TET2-AS1 (TET2 antisense RNA 1; minus strand). Cytogenetic location: 4q24.
Variant type: single nucleotide variant.
Coding change: c.560G>C on transcript NM_001127208.3 (MANE Select); coding-DNA position 560, G replaced by C.
Protein change: p.Gly187Ala; replaces glycine 187 with alanine.
Molecular consequence: missense variant.
Genome position (GRCh38, 1-based): chr4:105,234,502, G>C. VCF-style: chr4-105234502-G-C. GRCh37 (hg19) VCF-style: chr4-106155659-G-C.
Other names: c.560G>C, p.Gly187Ala (NM_017628.4); short protein forms G187A.
Identifiers: ClinVar variation 3967681 (VCV003967681.1).